The following is an entry in ClinVar:

ClinVar aggregate classification (germline): Likely benign. Review status: criteria provided, single submitter (1 of 4 stars). 2 submissions from 2 submitters: Likely benign (1). 1 of the submissions does not count toward it. Last evaluated 2023-12-05.

Conditions:
ARHGEF10-related disorder. Also called: ARHGEF10-related condition.

Allele frequency attached by ClinVar (database versions not stated): ExAC 0.00002; gnomAD exomes 0.00002.
gnomAD v4.1: 32 of 1,614,058 alleles (0.002%); highest among the groups gnomAD compares: Admixed American, 0.005%; no homozygotes.

Submissions (2):

Blueprint Genetics
Classification: Likely benign. Last evaluated: 2023-12-05. Review status: criteria provided, single submitter. Criteria: ACMG Guidelines, 2015. Collection method: clinical testing. Allele origin: germline.

PreventionGenetics, part of Exact Sciences
Classification: Likely benign for ARHGEF10-related condition. Last evaluated: 2019-06-07. Review status: no assertion criteria provided. Collection method: clinical testing. Allele origin: germline. Not counted in ClinVar's aggregate classification.
Comment: This variant is classified as likely benign based on ACMG/AMP sequence variant interpretation guidelines (Richards et al. 2015 PMID: 25741868, with internal and published modifications).

NM_014629.4(ARHGEF10):c.1803C>T (p.Asn601=)

Gene: ARHGEF10 (Rho guanine nucleotide exchange factor 10; plus strand). Cytogenetic location: 8p23.3.
Variant type: single nucleotide variant.
Coding change: c.1803C>T on transcript NM_014629.4 (MANE Select); coding-DNA position 1803, C replaced by T.
Protein change: p.Asn601=; no amino-acid change (asparagine 601 retained).
Molecular consequence: synonymous variant.
Genome position (GRCh38, 1-based): chr8:1,903,433, C>T. VCF-style: chr8-1903433-C-T. GRCh37 (hg19) VCF-style: chr8-1851599-C-T.
Other names: c.1689C>T, p.Asn563= (NM_001308152.2); c.1803C>T, p.Asn601= (NM_001308153.3).
Identifiers: ClinVar variation 3033331 (VCV003033331.3), dbSNP rs757028716, ClinGen allele CA4600546.
Genomic context (GRCh38, chr8:1,903,433, plus strand): 5'-TGAAAGAAAGAGAGATGCTGATCAACGCTGTGAAGTGAAGCAAATAGCCAAAGCCATAAA[C>T]GAAAGATACCTGAACAAGGTTGAGAGAGGTTTTCTTCAACTCTATTCCAAAATTATTTTT-3'
Protein context (NP_055444.2, residues 591-611): CEVKQIAKAI[Asn601=]ERYLNKLLSS